The following is an entry in ClinVar:

NM_000277.3(PAH):c.1057del (p.Glu353fs)

Gene: PAH (phenylalanine hydroxylase; minus strand). Cytogenetic location: 12q23.2.
Variant type: Deletion.
Coding change: c.1057del on transcript NM_000277.3 (MANE Select); coding-DNA position 1057, one base deleted (G; older notation c.1057delG).
Protein change: p.Glu353fs; shifts the reading frame from glutamic acid 353.
Molecular consequence: frameshift variant.
Genome position (GRCh38, 1-based): chr12:102,844,344, C deleted on the plus strand (G on the coding strand, the reverse complement: PAH is on the minus strand). VCF-style (leftmost placement, unchanged base first): chr12-102844343-TC-T. GRCh37 (hg19) VCF-style: chr12-103238121-TC-T.
Other names: NM_001354304.2:c.1057del; c.1057del, p.Glu353fs (NM_001354304.2); short protein forms E353fs.
Identifiers: ClinVar variation 1693237 (VCV001693237.1), dbSNP rs2136636774, ClinGen allele CA16020923.

ClinVar aggregate classification (germline): Likely pathogenic (3 of 4 stars; one submission).

Conditions:
Phenylketonuria (PKU). Also called: Phenylketonurias; FOLLING DISEASE; Phenylketonuria (PKU); OLIGOPHRENIA PHENYLPYRUVICA. Identifiers: Orphanet 716, MedGen C0031485, MONDO:0009861, OMIM 261600. Disease mechanism: loss of function.

Submission:

ClinGen PAH Variant Curation Expert Panel
Classification: Likely pathogenic for Phenylketonuria. Last evaluated: 2022-06-12. Review status: reviewed by expert panel. Criteria: ClinGen PAH ACMG Specifications v1. Collection method: curation. Allele origin: germline. Inheritance: Autosomal recessive inheritance.
Comment: The frameshift variant c.1057del (p.Glu353AsnfsTer47) in exon 10 creates a premature stop codon in exon 11 which is predicted to result in NMD. The variant is absent from population databases, including gnomAD. One typical PKU patient has been reported (PMID: 8069318) which BioPKU reports affiliated with this variant however the actual variant is c.1055del, so no patients have been reported with this variant. In summary, this variant meets criteria to be classified as likely pathogenic for PAH. PAH-specific ACMG/AMP criteria applied: PVS1 and PM2.